The following is an entry in ClinVar:

ClinVar aggregate classification (germline): Likely pathogenic (1 of 4 stars; one submission).

Allele frequency attached by ClinVar (database versions not stated): gnomAD exomes below 0.00001; ExAC 0.00001.
gnomAD v4.1: 1 of 1,613,264 alleles (0.000062%); highest among the groups gnomAD compares: South Asian, 0.0011%; no homozygotes.

Submission:

Labcorp Genetics (formerly Invitae), Labcorp
Classification: Likely pathogenic. Last evaluated: 2020-02-11. Review status: criteria provided, single submitter. Criteria: Invitae Variant Classification Sherloc (09022015). Collection method: clinical testing. Allele origin: germline.
Comment: This sequence change affects an acceptor splice site in intron 35 of the USH2A gene. It is expected to disrupt RNA splicing and likely results in an absent or disrupted protein product. This variant is present in population databases (rs765217736, ExAC 0.006%). This variant has not been reported in the literature in individuals with USH2A-related conditions. Algorithms developed to predict the effect of sequence changes on RNA splicing suggest that this variant may disrupt the consensus splice site, but this prediction has not been confirmed by published transcriptional studies. Donor and acceptor splice site variants typically lead to a loss of protein function (PMID: 16199547), and loss-of-function variants in USH2A are known to be pathogenic (PMID: 10729113, 10909849, 20507924, 25649381). In summary, the currently available evidence indicates that the variant is pathogenic, but additional data are needed to prove that conclusively. Therefore, this variant has been classified as Likely Pathogenic.

Literature cited by the submitters: PubMed 16199547; PubMed 10729113; PubMed 10909849; PubMed 20507924; PubMed 25649381.

NM_206933.4(USH2A):c.6806-2A>G

Gene: USH2A (usherin; minus strand). Cytogenetic location: 1q41.
Variant type: single nucleotide variant.
Coding change: c.6806-2A>G on transcript NM_206933.4 (MANE Select); the canonical splice acceptor site of the intron before coding-DNA position 6806, A replaced by G.
Molecular consequence: splice acceptor variant.
Genome position (GRCh38, 1-based): chr1:215,970,778, T>C on the plus strand (A>G on the coding strand, the complement: USH2A is on the minus strand). VCF-style: chr1-215970778-T-C. GRCh37 (hg19) VCF-style: chr1-216144120-T-C.
Identifiers: ClinVar variation 1066386 (VCV001066386.8), dbSNP rs765217736, ClinGen allele CA1395021.
Genomic context (GRCh38, chr1:215,970,778, plus strand): 5'-TTCTGAGGAATTGTGGATTAATATACCATCTAGATATAATCCATAACTCGTGATAACACC[T>C]GGGAAGATAATAATTGCCTTTCAGTATGACTACTAGACAATAGCAAAGAAGGTCTTAAGA-3'